The following is an entry in ClinVar:

NM_001393769.1(MED12L):c.3507T>C (p.His1169=)

Genes: MED12L (mediator complex subunit 12L; plus strand), P2RY12 (purinergic receptor P2Y12; minus strand). Cytogenetic location: 3q25.1.
Variant type: single nucleotide variant.
Coding change: c.3507T>C on transcript NM_001393769.1 (MANE Select); coding-DNA position 3507, T replaced by C.
Protein change: p.His1169=; no amino-acid change (histidine 1169 retained).
Molecular consequence: synonymous variant. On other transcripts: intron variant (1).
Genome position (GRCh38, 1-based): chr3:151,368,208, T>C. VCF-style: chr3-151368208-T-C. GRCh37 (hg19) VCF-style: chr3-151085996-T-C.
Other names: c.3402T>C, p.His1134= (NM_053002.6); c.-180+16484A>G (NM_022788.5).
Identifiers: ClinVar variation 3357646 (VCV003357646.1).

ClinVar aggregate classification (germline): Likely benign (0 of 4 stars; one submission).

Conditions:
MED12L-related disorder. Also called: MED12L-related condition.

gnomAD v4.1: 7 of 1,614,102 alleles (0.00043%); highest among the groups gnomAD compares: Non-Finnish European, 0.00059%; no homozygotes.

Submission:

PreventionGenetics, part of Exact Sciences
Classification: Likely benign for MED12L-related condition. Last evaluated: 2024-09-27. Review status: no assertion criteria provided. Collection method: clinical testing. Allele origin: germline.
Comment: This variant is classified as likely benign based on ACMG/AMP sequence variant interpretation guidelines (Richards et al. 2015 PMID: 25741868, with internal and published modifications).